The following is an entry in ClinVar:

NM_000784.4(CYP27A1):c.426_430del (p.Thr143fs)

Gene: CYP27A1 (cytochrome P450 family 27 subfamily A member 1; plus strand). Cytogenetic location: 2q35.
Variant type: Microsatellite.
Coding change: c.426_430del on transcript NM_000784.4 (MANE Select); coding-DNA positions 426 to 430, 5 bases deleted (GACCT; older notation c.426_430delGACCT).
Protein change: p.Thr143fs; shifts the reading frame from threonine 143.
Molecular consequence: frameshift variant.
Genome position (GRCh38, 1-based): chr2:218,809,747-218,809,751, GACCT deleted; deleting any 5 consecutive bases within chr2:218,809,742-218,809,751 gives the same sequence; the c. name uses the placement nearest the transcript's 3' end. VCF-style (leftmost placement, unchanged base first): chr2-218809741-CGACCT-C. GRCh37 (hg19) VCF-style: chr2-219674464-CGACCT-C.
Other names: short protein forms T143fs.
Identifiers: ClinVar variation 1725777 (VCV001725777.2), dbSNP rs2470223719, ClinGen allele CA2580616692.

ClinVar aggregate classification (germline): Likely pathogenic (1 of 4 stars; one submission).

Conditions:
Cholestanol storage disease (CTX). Also called: CEREBRAL CHOLESTERINOSIS; CTX: Cerebrotendinous xanthomatosis; Cerebrotendinous Xanthomatosis. Identifiers: Orphanet 909, MedGen C0238052, MONDO:0008948, OMIM 213700.

Submission:

Myriad Genetics, Inc.
Classification: Likely pathogenic for Cholestanol storage disease. Last evaluated: 2022-04-01. Review status: criteria provided, single submitter. Criteria: Myriad Women's Health Autosomal Recessive and X-Linked Classification Criteria (2021). Collection method: clinical testing. Allele origin: unknown.
Comment: NM_000784.3(CYP27A1):c.426_430del5(T143Wfs*36) is expected to be pathogenic in the context of cerebrotendinous xanthomatosis. This variant is predicted to lead to an abnormal or absent protein product due to the creation of a premature termination codon in CYP27A1, a gene where loss-of-function variants are known to be pathogenic. Please note: this variant was assessed in the context of healthy population screening.